The following is an entry in ClinVar:

ClinVar aggregate classification (germline): Uncertain significance. Review status: criteria provided, multiple submitters, no conflicts (2 of 4 stars). 2 submissions from 2 submitters: Uncertain significance (2). Last evaluated 2023-11-12.

Conditions:
Renal cell carcinoma. Identifiers: Orphanet 217071, MedGen C0007134, MeSH D002292, MONDO:0005086, HP:0005584.
Hereditary cancer-predisposing syndrome. Also called: Hereditary Cancer Syndrome; Hereditary neoplastic syndrome; Neoplastic Syndromes, Hereditary; Tumor predisposition. Identifiers: Orphanet 140162, MedGen C0027672, MeSH D009386, MONDO:0015356.

Submissions (2):

Labcorp Genetics (formerly Invitae), Labcorp
Classification: Uncertain significance for Renal cell carcinoma. Last evaluated: 2023-11-12. Review status: criteria provided, single submitter. Criteria: Invitae Variant Classification Sherloc (09022015). Collection method: clinical testing. Allele origin: germline.
Comment: This sequence change affects an acceptor splice site in intron 14 of the MET gene. It is expected to disrupt RNA splicing. Variants that disrupt the donor or acceptor splice site typically lead to a loss of protein function (PMID: 16199547), however the current clinical and genetic evidence is not sufficient to establish whether loss-of-function variants in MET cause disease. This variant is not present in population databases (gnomAD no frequency). This variant has not been reported in the literature in individuals affected with MET-related conditions. ClinVar contains an entry for this variant (Variation ID: 1430735). Algorithms developed to predict the effect of sequence changes on RNA splicing suggest that this variant may disrupt the consensus splice site. In summary, the available evidence is currently insufficient to determine the role of this variant in disease. Therefore, it has been classified as a Variant of Uncertain Significance.

Ambry Genetics
Classification: Uncertain significance for Hereditary cancer-predisposing syndrome. Last evaluated: 2021-02-23. Review status: criteria provided, single submitter. Criteria: Ambry Variant Classification Scheme 2023. Collection method: clinical testing. Allele origin: germline.
Comment: The c.3083-2A>G intronic variant results from an A to G substitution two nucleotides upstream from coding exon 14 in the MET gene. This nucleotide position is highly conserved in available vertebrate species. In silico splice site analysis predicts that this alteration will weaken the native splice acceptor site and may result in the creation or strengthening of a novel splice acceptor site. Alterations that disrupt the canonical splice site are expected to cause aberrant splicing, resulting in an abnormal protein or a transcript that is subject to nonsense-mediated mRNA decay. However, loss of function of MET has not been clearly established as a mechanism of disease. Since supporting evidence is limited at this time, the clinical significance of this alteration remains unclear.

Literature cited by the submitters: PubMed 16199547 (cited by Labcorp Genetics (formerly Invitae), Labcorp).

NM_000245.4(MET):c.3029-2A>G

Gene: MET (MET proto-oncogene, receptor tyrosine kinase; plus strand). Cytogenetic location: 7q31.2.
Variant type: single nucleotide variant.
Coding change: c.3029-2A>G on transcript NM_000245.4 (MANE Select); the canonical splice acceptor site of the intron before coding-DNA position 3029, A replaced by G.
Molecular consequence: splice acceptor variant.
Genome position (GRCh38, 1-based): chr7:116,774,879, A>G. VCF-style: chr7-116774879-A-G. GRCh37 (hg19) VCF-style: chr7-116414933-A-G.
Other names: c.3083-2A>G (NM_001127500.3); c.1739-2A>G (NM_001324402.2).
Identifiers: ClinVar variation 1430735 (VCV001430735.8), dbSNP rs2117029370, ClinGen allele CA368987726.